The following is an entry in ClinVar:

NM_005677.4(COLQ):c.321+170A>G

Gene: COLQ (collagen like tail subunit of asymmetric acetylcholinesterase; minus strand). Cytogenetic location: 3p25.1.
Variant type: single nucleotide variant.
Coding change: c.321+170A>G on transcript NM_005677.4 (MANE Select); 170 bases into the intron after coding-DNA position 321, A replaced by G.
Molecular consequence: intron variant.
Genome position (GRCh38, 1-based): chr3:15,488,036, T>C on the plus strand (A>G on the coding strand, the complement: COLQ is on the minus strand). VCF-style: chr3-15488036-T-C. GRCh37 (hg19) VCF-style: chr3-15529543-T-C.
Other names: c.219+1489A>G (NM_080539.4); c.291+170A>G (NM_080538.2).
Identifiers: ClinVar variation 679245 (VCV000679245.2), dbSNP rs1983085, ClinGen allele CA11599666.
Genomic context (GRCh38, chr3:15,488,036, plus strand): 5'-GACAATTATTATCCCCATTGCATAGATGAGGAAATCAAGGATGGGAGGCCAGAATTTACC[T>C]AGCAAAGAGTCAGTGTTCTATCCAAGTGGCTTTGGAGCAGGAAGTAAGCGAGAGAAGGAA-3'

ClinVar aggregate classification (germline): Benign. Review status: criteria provided, multiple submitters, no conflicts (2 of 4 stars). 2 submissions from 2 submitters: Benign (2). Last evaluated 2018-06-19.

Allele frequency attached by ClinVar (database versions not stated): gnomAD 0.44447 and 0.44606; TOPMed 0.45219; 1000 Genomes Project 30x 0.45409; 1000 Genomes Project 0.45487.
gnomAD v4.1: 67,779 of 152,064 alleles (45%); highest among the groups gnomAD compares: East Asian, 52%; 15,219 homozygotes.

Submissions (2):

GeneDx
Classification: Benign. Last evaluated: 2018-06-19. Review status: criteria provided, single submitter. Criteria: GeneDx Variant Classification (06012015). Collection method: clinical testing. Allele origin: germline. Affected: yes.
Comment: This variant is considered likely benign or benign based on one or more of the following criteria: it is a conservative change, it occurs at a poorly conserved position in the protein, it is predicted to be benign by multiple in silico algorithms, and/or has population frequency not consistent with disease.

Breakthrough Genomics
Classification: Benign. Review status: criteria provided, single submitter. Criteria: ACMG Guidelines, 2015. Collection method: not provided. Allele origin: germline. Inheritance: Autosomal recessive inheritance. Affected: yes.